The following is an entry in ClinVar:

ClinVar aggregate classification (germline): Uncertain significance (1 of 4 stars; one submission).

Conditions:
Hereditary cancer-predisposing syndrome. Also called: Tumor predisposition; Neoplastic Syndromes, Hereditary; Hereditary Cancer Syndrome; Hereditary neoplastic syndrome. Identifiers: Orphanet 140162, MedGen C0027672, MeSH D009386, MONDO:0015356.

Submission:

Ambry Genetics
Classification: Uncertain significance for Hereditary cancer-predisposing syndrome. Last evaluated: 2018-06-08. Review status: criteria provided, single submitter. Criteria: Ambry Variant Classification Scheme 2023. Collection method: clinical testing. Allele origin: germline.
Comment: The p.F3049V variant (also known as c.9145T>G), located in coding exon 62 of the ATM gene, results from a T to G substitution at nucleotide position 9145. The phenylalanine at codon 3049 is replaced by valine, an amino acid with highly similar properties. This amino acid position is highly conserved in available vertebrate species. In addition, this alteration is predicted to be deleterious by in silico analysis. Since supporting evidence is limited at this time, the clinical significance of this alteration remains unclear.

NM_000051.4(ATM):c.9145T>G (p.Phe3049Val)

Genes: ATM (ATM serine/threonine kinase; plus strand), C11orf65 (chromosome 11 open reading frame 65; minus strand). Cytogenetic location: 11q22.3.
Variant type: single nucleotide variant.
Coding change: c.9145T>G on transcript NM_000051.4 (MANE Select); coding-DNA position 9145, T replaced by G.
Protein change: p.Phe3049Val; replaces phenylalanine 3049 with valine.
Molecular consequence: missense variant. On other transcripts: intron variant (2).
Genome position (GRCh38, 1-based): chr11:108,365,482, T>G. VCF-style: chr11-108365482-T-G. GRCh37 (hg19) VCF-style: chr11-108236209-T-G.
Other names: c.9145T>G, p.Phe3049Val (NM_001351834.2); c.640+20438A>C (NM_001330368.2); c.694+20438A>C (NM_001351110.2); short protein forms F3049V.
Identifiers: ClinVar variation 823046 (VCV000823046.6), dbSNP rs1591388288, ClinGen allele CA382532120.